The following is an entry in ClinVar:

NM_002381.5(MATN3):c.362G>A (p.Arg121Gln)

Gene: MATN3 (matrilin 3; minus strand). Cytogenetic location: 2p24.1.
Variant type: single nucleotide variant.
Coding change: c.362G>A on transcript NM_002381.5 (MANE Select); coding-DNA position 362, G replaced by A.
Protein change: p.Arg121Gln; replaces arginine 121 with glutamine.
Molecular consequence: missense variant.
Genome position (GRCh38, 1-based): chr2:20,006,172, C>T on the plus strand (G>A on the coding strand, the complement: MATN3 is on the minus strand). VCF-style: chr2-20006172-C-T. GRCh37 (hg19) VCF-style: chr2-20205933-C-T.
Other names: short protein forms R121Q.
Identifiers: ClinVar variation 4881887 (VCV004881887.3).

ClinVar aggregate classification (germline): Conflicting classifications of pathogenicity. Review status: criteria provided, conflicting classifications (1 of 4 stars). 2 submissions from 2 submitters: Likely pathogenic (1); Uncertain significance (1). Last evaluated 2025-12-22.

Conditions:
MATN3-related disorder. Also called: MATN3-related condition.
Multiple epiphyseal dysplasia type 5 (EDM5). Also called: MATN3-Related Multiple Epiphyseal Dysplasia; Microepiphyseal dysplasia, bilateral hereditary. Identifiers: Orphanet 93311, MedGen C1846843, MONDO:0011765, OMIM 607078.

gnomAD v4.1: 24 of 1,613,830 alleles (0.0015%); highest among the groups gnomAD compares: East Asian, 0.0022%; no homozygotes.

Submissions (2):

Dasa
Classification: Uncertain significance for Multiple epiphyseal dysplasia type 5. Last evaluated: 2025-12-22. Review status: criteria provided, single submitter. Criteria: DASA Assertion Criteria. Collection method: clinical testing. Allele origin: germline.
Comment: NM_002381.5(MATN3):c.362G>A (p.Arg121Gln) is a missense variant that results in the substitution of arginine with glutamine. The affected residue or protein region has prior evidence supporting clinical relevance. De novo occurrence has been reported in an individual with MATN3-related disorders. This variant is rare in population databases. Computational prediction algorithms are consistent with a deleterious effect. The currently available literature and clinical evidence are not sufficient to establish a definitive association between this variant and the reported condition. Therefore, this variant is classified as a variant of uncertain significance.

Blueprint Genetics
Classification: Likely pathogenic for MATN3-related disorders. Last evaluated: 2022-07-07. Review status: criteria provided, single submitter. Criteria: ACMG Guidelines, 2015. Collection method: clinical testing. Allele origin: germline. Affected: yes. Observed: 2 variant alleles.